The following is an entry in ClinVar:

ClinVar aggregate classification (germline): Uncertain significance. Review status: criteria provided, multiple submitters, no conflicts (2 of 4 stars). 2 submissions from 2 submitters: Uncertain significance (2). Last evaluated 2025-05-19.

Conditions:
Inborn genetic diseases. Identifiers: MedGen C0950123, MeSH D030342.
Congenital myasthenic syndrome 10. Also called: Myasthenia, limb-girdle, familial. Identifiers: Orphanet 590, MedGen C1850792, MONDO:0009690, OMIM 254300.
Fetal akinesia deformation sequence 1 (FADS1). Also called: Fetal akinesia sequence; Pena-Shokeir syndrome type I. Identifiers: Orphanet 994, MedGen C1276035, MONDO:0100101, OMIM 208150, HP:0001989.

Allele frequency attached by ClinVar (database versions not stated): gnomAD exomes below 0.00001; ExAC 0.00001; ESP Exome Variant Server 0.00008; gnomAD 0.00009; TOPMed 0.00011.
gnomAD v4.1: 22 of 1,608,302 alleles (0.0014%); highest among the groups gnomAD compares: African/African-American, 0.025%; no homozygotes.

Submissions (2):

Labcorp Genetics (formerly Invitae), Labcorp
Classification: Uncertain significance for Congenital myasthenic syndrome 10; Fetal akinesia deformation sequence 1. Last evaluated: 2025-05-19. Review status: criteria provided, single submitter. Criteria: Invitae Variant Classification Sherloc (09022015). Collection method: clinical testing. Allele origin: germline.
Comment: This sequence change replaces leucine, which is neutral and non-polar, with valine, which is neutral and non-polar, at codon 195 of the DOK7 protein (p.Leu195Val). The frequency data for this variant in the population databases is considered unreliable, as metrics indicate poor data quality at this position in the gnomAD database. This variant has not been reported in the literature in individuals affected with DOK7-related conditions. ClinVar contains an entry for this variant (Variation ID: 1982222). Invitae Evidence Modeling of protein sequence and biophysical properties (such as structural, functional, and spatial information, amino acid conservation, physicochemical variation, residue mobility, and thermodynamic stability) indicates that this missense variant is expected to disrupt DOK7 protein function with a positive predictive value of 80%. In summary, the available evidence is currently insufficient to determine the role of this variant in disease. Therefore, it has been classified as a Variant of Uncertain Significance.

Ambry Genetics
Classification: Uncertain significance for Inborn genetic diseases. Last evaluated: 2023-01-20. Review status: criteria provided, single submitter. Criteria: Ambry Variant Classification Scheme 2023. Collection method: clinical testing. Allele origin: germline.

NM_173660.5(DOK7):c.583C>G (p.Leu195Val)

Gene: DOK7 (docking protein 7; plus strand). Cytogenetic location: 4p16.3.
Variant type: single nucleotide variant.
Coding change: c.583C>G on transcript NM_173660.5 (MANE Select); coding-DNA position 583, C replaced by G.
Protein change: p.Leu195Val; replaces leucine 195 with valine.
Molecular consequence: missense variant. On other transcripts: 5 prime UTR variant (1).
Genome position (GRCh38, 1-based): chr4:3,485,589, C>G. VCF-style: chr4-3485589-C-G. GRCh37 (hg19) VCF-style: chr4-3487316-C-G.
Other names: c.572C>G, p.Pro191Arg (NM_001164673.2); c.-348C>G (NM_001256896.2); c.583C>G, p.Leu195Val (NM_001301071.2); c.151C>G, p.Leu51Val (NM_001363811.2); c.583C>G (NM_173660.4); short protein forms L195V, L51V, P191R.
Identifiers: ClinVar variation 1982222 (VCV001982222.4), dbSNP rs370192452, ClinGen allele CA2829074.